The following is an entry in ClinVar:

NM_001005373.4(LRSAM1):c.1775A>G (p.His592Arg)

Gene: LRSAM1 (leucine rich repeat and sterile alpha motif containing 1; plus strand). Cytogenetic location: 9q33.3.
Variant type: single nucleotide variant.
Coding change: c.1775A>G on transcript NM_001005373.4 (MANE Select); coding-DNA position 1775, A replaced by G.
Protein change: p.His592Arg; replaces histidine 592 with arginine.
Molecular consequence: missense variant. On other transcripts: non-coding transcript variant (2).
Genome position (GRCh38, 1-based): chr9:127,496,040, A>G. VCF-style: chr9-127496040-A-G. GRCh37 (hg19) VCF-style: chr9-130258319-A-G.
Other names: c.1775A>G, p.His592Arg (NM_001005374.4, NM_001384142.1, NM_138361.5); c.1694A>G, p.His565Arg (NM_001190723.3); c.1676A>G, p.His559Arg (NM_001384143.1); c.986A>G, p.His329Arg (NM_001384144.1); short protein forms H592R, H329R, H559R, H565R.
Identifiers: ClinVar variation 2909300 (VCV002909300.3), dbSNP rs1039132247, ClinGen allele CA374935831.

ClinVar aggregate classification (germline): Uncertain significance (1 of 4 stars; one submission).

Conditions:
Charcot-Marie-Tooth disease axonal type 2P. Also called: Charcot-Marie-Tooth Neuropathy Type 2G; CHARCOT-MARIE-TOOTH DISEASE, AXONAL, TYPE 2G; CMT 2G; CHARCOT-MARIE-TOOTH NEUROPATHY, TYPE 2P. Identifiers: Orphanet 300319, Orphanet 99941, MedGen C3280797, MONDO:0013753, OMIM 614436.

Allele frequency attached by ClinVar (database versions not stated): gnomAD exomes below 0.00001; TOPMed below 0.00001.
gnomAD v4.1: 2 of 1,612,124 alleles (0.00012%); highest among the groups gnomAD compares: East Asian, 0.0045%; no homozygotes.

Submission:

Labcorp Genetics (formerly Invitae), Labcorp
Classification: Uncertain significance for Charcot-Marie-Tooth disease axonal type 2P. Last evaluated: 2023-08-06. Review status: criteria provided, single submitter. Criteria: Invitae Variant Classification Sherloc (09022015). Collection method: clinical testing. Allele origin: germline.
Comment: In summary, the available evidence is currently insufficient to determine the role of this variant in disease. Therefore, it has been classified as a Variant of Uncertain Significance. Advanced modeling of protein sequence and biophysical properties (such as structural, functional, and spatial information, amino acid conservation, physicochemical variation, residue mobility, and thermodynamic stability) performed at Invitae indicates that this missense variant is not expected to disrupt LRSAM1 protein function. This variant has not been reported in the literature in individuals affected with LRSAM1-related conditions. The frequency data for this variant in the population databases is considered unreliable, as metrics indicate poor data quality at this position in the gnomAD database. This sequence change replaces histidine, which is basic and polar, with arginine, which is basic and polar, at codon 592 of the LRSAM1 protein (p.His592Arg).